The following is an entry in ClinVar:

ClinVar aggregate classification (germline): Pathogenic (1 of 4 stars; one submission).

Conditions:
Bifunctional peroxisomal enzyme deficiency (DBIF). Also called: DBP DEFICIENCY; PBFE DEFICIENCY; D-bifunctional protein deficiency. Identifiers: Orphanet 300, MedGen C0342870, MONDO:0009855, OMIM 261515. Disease mechanism: loss of function.
Perrault syndrome. Also called: Gonadal dysgenesis with auditory dysfunction, autosomal recessive inheritance. Identifiers: Orphanet 2855, MedGen C0685838, MONDO:0017312.

Submission:

Labcorp Genetics (formerly Invitae), Labcorp
Classification: Pathogenic for Perrault syndrome; Bifunctional peroxisomal enzyme deficiency. Last evaluated: 2022-05-07. Review status: criteria provided, single submitter. Criteria: Invitae Variant Classification Sherloc (09022015). Collection method: clinical testing. Allele origin: germline.
Comment: For these reasons, this variant has been classified as Pathogenic. This variant has not been reported in the literature in individuals affected with HSD17B4-related conditions. This variant is not present in population databases (gnomAD no frequency). This sequence change creates a premature translational stop signal (p.His188Serfs*3) in the HSD17B4 gene. It is expected to result in an absent or disrupted protein product. Loss-of-function variants in HSD17B4 are known to be pathogenic (PMID: 11810648, 16385454).

Literature cited by the submitters: PubMed 11810648; PubMed 16385454.

NM_000414.4(HSD17B4):c.561dup (p.His188fs)

Gene: HSD17B4 (hydroxysteroid 17-beta dehydrogenase 4; plus strand). Cytogenetic location: 5q23.1.
Variant type: Duplication.
Coding change: c.561dup on transcript NM_000414.4 (MANE Select); coding-DNA position 561, one base duplicated (T; older notation c.561dupT).
Protein change: p.His188fs; shifts the reading frame from histidine 188.
Molecular consequence: frameshift variant. On other transcripts: non-coding transcript variant (2).
Genome position (GRCh38, 1-based): chr5:119,478,960, T duplicated; the last of 2 consecutive T bases (chr5:119,478,959-119,478,960); duplicating either gives the same sequence. VCF-style (leftmost placement, unchanged base first): chr5-119478958-A-AT. GRCh37 (hg19) VCF-style: chr5-118814653-A-AT.
Other names: c.636dup, p.His213fs (NM_001199291.3); c.507dup, p.His170fs (NM_001199292.2); c.489dup, p.His164fs (NM_001292027.2); c.141dup, p.His48fs (NM_001292028.2); c.552dup, p.His185fs (NM_001374497.1); c.561dup, p.His188fs (NM_001374498.1); c.234dup, p.His79fs (NM_001374499.1); c.120dup, p.His41fs (NM_001374500.1); and 1 more; short protein forms H164fs, H185fs, H48fs, H79fs, H213fs, H51fs, H170fs, H41fs.
Identifiers: ClinVar variation 2134953 (VCV002134953.4), dbSNP rs2531628373, ClinGen allele CA2580072393.